The following is an entry in ClinVar:

NM_006946.4(SPTBN2):c.5320G>A (p.Glu1774Lys)

Gene: SPTBN2 (spectrin beta, non-erythrocytic 2; minus strand). Cytogenetic location: 11q13.2.
Variant type: single nucleotide variant.
Coding change: c.5320G>A on transcript NM_006946.4 (MANE Select); coding-DNA position 5320, G replaced by A.
Protein change: p.Glu1774Lys; replaces glutamic acid 1774 with lysine.
Molecular consequence: missense variant.
Genome position (GRCh38, 1-based): chr11:66,691,529, C>T on the plus strand (G>A on the coding strand, the complement: SPTBN2 is on the minus strand). VCF-style: chr11-66691529-C-T. GRCh37 (hg19) VCF-style: chr11-66459000-C-T.
Other names: c.5341G>A, p.Glu1781Lys (NM_001411025.1); c.5320G>A (NM_006946.2); short protein forms E1774K, E1781K.
Identifiers: ClinVar variation 2999333 (VCV002999333.4), dbSNP rs1458390973, ClinGen allele CA381465626.

ClinVar aggregate classification (germline): Uncertain significance. Review status: criteria provided, multiple submitters, no conflicts (2 of 4 stars). 2 submissions from 2 submitters: Uncertain significance (2). Last evaluated 2025-02-25.

Conditions:
Inborn genetic diseases. Identifiers: MedGen C0950123, MeSH D030342.

Allele frequency attached by ClinVar (database versions not stated): gnomAD 0.00001; gnomAD exomes 0.00001; TOPMed 0.00001.

Submissions (2):

Ambry Genetics
Classification: Uncertain significance for Inborn genetic diseases. Last evaluated: 2025-02-25. Review status: criteria provided, single submitter. Criteria: Ambry Variant Classification Scheme 2023. Collection method: clinical testing. Allele origin: germline.

Labcorp Genetics (formerly Invitae), Labcorp
Classification: Uncertain significance. Last evaluated: 2022-12-25. Review status: criteria provided, single submitter. Criteria: Invitae Variant Classification Sherloc (09022015). Collection method: clinical testing. Allele origin: germline.
Comment: In summary, the available evidence is currently insufficient to determine the role of this variant in disease. Therefore, it has been classified as a Variant of Uncertain Significance. Advanced modeling of protein sequence and biophysical properties (such as structural, functional, and spatial information, amino acid conservation, physicochemical variation, residue mobility, and thermodynamic stability) has been performed at Invitae for this missense variant, however the output from this modeling did not meet the statistical confidence thresholds required to predict the impact of this variant on SPTBN2 protein function. This sequence change replaces glutamic acid, which is acidic and polar, with lysine, which is basic and polar, at codon 1774 of the SPTBN2 protein (p.Glu1774Lys). The frequency data for this variant in the population databases is considered unreliable, as metrics indicate poor data quality at this position in the gnomAD database. This variant has not been reported in the literature in individuals affected with SPTBN2-related conditions.